The following is an entry in ClinVar:

NM_138713.4(NFAT5):c.2797T>A (p.Leu933Ile)

Gene: NFAT5 (nuclear factor of activated T cells 5; plus strand). Cytogenetic location: 16q22.1.
Variant type: single nucleotide variant.
Coding change: c.2797T>A on transcript NM_138713.4 (MANE Select); coding-DNA position 2797, T replaced by A.
Protein change: p.Leu933Ile; replaces leucine 933 with isoleucine.
Molecular consequence: missense variant.
Genome position (GRCh38, 1-based): chr16:69,692,622, T>A. VCF-style: chr16-69692622-T-A. GRCh37 (hg19) VCF-style: chr16-69726525-T-A.
Other names: c.2794T>A, p.Leu932Ile (NM_001113178.3); c.2122T>A, p.Leu708Ile (NM_001367709.1); c.2743T>A, p.Leu915Ile (NM_006599.4); c.2515T>A, p.Leu839Ile (NM_138714.4, NM_173214.3, NM_173215.3); short protein forms L915I, L932I, L839I, L933I, L708I.
Identifiers: ClinVar variation 1991088 (VCV001991088.4), dbSNP rs2544237846, ClinGen allele CA396510897.

ClinVar aggregate classification (germline): Uncertain significance (1 of 4 stars; one submission).

Conditions:
Immunodeficiency. Identifiers: MedGen C0021051, MONDO:0021094, HP:0002721.

Allele frequency attached by ClinVar (database versions not stated): gnomAD exomes 0.00001.
gnomAD v4.1: 3 of 1,614,188 alleles (0.00019%); highest among the groups gnomAD compares: Non-Finnish European, 0.00025%; no homozygotes.

Submission:

Labcorp Genetics (formerly Invitae), Labcorp
Classification: Uncertain significance for Immunodeficiency. Last evaluated: 2024-02-06. Review status: criteria provided, single submitter. Criteria: Invitae Variant Classification Sherloc (09022015). Collection method: clinical testing. Allele origin: germline.
Comment: This sequence change replaces leucine, which is neutral and non-polar, with isoleucine, which is neutral and non-polar, at codon 839 of the NFAT5 protein (p.Leu839Ile). This variant is not present in population databases (gnomAD no frequency). This variant has not been reported in the literature in individuals affected with NFAT5-related conditions. ClinVar contains an entry for this variant (Variation ID: 1991088). An algorithm developed to predict the effect of missense changes on protein structure and function (PolyPhen-2) suggests that this variant is likely to be disruptive. In summary, the available evidence is currently insufficient to determine the role of this variant in disease. Therefore, it has been classified as a Variant of Uncertain Significance.